The following is an entry in ClinVar:

ClinVar aggregate classification (germline): Conflicting classifications of pathogenicity. Review status: criteria provided, conflicting classifications (1 of 4 stars). 4 submissions from 4 submitters: Uncertain significance (1); Likely benign (2). 1 of the submissions does not count toward it. Last evaluated 2026-01-30.

Conditions:
PTCH1-related disorder. Also called: PTCH1-related disorders; PTCH1-related condition.
Hereditary cancer-predisposing syndrome. Also called: Neoplastic Syndromes, Hereditary; Hereditary Cancer Syndrome; Hereditary neoplastic syndrome; Tumor predisposition. Identifiers: Orphanet 140162, MedGen C0027672, MeSH D009386, MONDO:0015356.
Gorlin syndrome. Also called: Nevoid Basal Cell Carcinoma Syndrome; Basal cell nevus syndrome. Identifiers: Orphanet 377, MedGen C0004779, MONDO:0007187.

Allele frequency attached by ClinVar (database versions not stated): gnomAD 0.00001 and 0.00002; gnomAD exomes 0.00001; ExAC 0.00002; TOPMed 0.00002.

Submissions (4):

Labcorp Genetics (formerly Invitae), Labcorp
Classification: Likely benign for Gorlin syndrome. Last evaluated: 2026-01-30. Review status: criteria provided, single submitter. Criteria: Invitae Variant Classification Sherloc (09022015). Collection method: clinical testing. Allele origin: germline.

Ambry Genetics
Classification: Likely benign for Hereditary cancer-predisposing syndrome. Last evaluated: 2024-02-28. Review status: criteria provided, single submitter. Criteria: Ambry Variant Classification Scheme 2023. Collection method: clinical testing. Allele origin: germline.

Quest Diagnostics Nichols Institute San Juan Capistrano
Classification: Uncertain significance. Last evaluated: 2024-02-14. Review status: criteria provided, single submitter. Criteria: Quest Diagnostics criteria. Collection method: clinical testing. Allele origin: unknown.
Comment: The PTCH1 c.655-5G>T variant has not been reported in individuals with PTCH1-related conditions in the published literature. The frequency of this variant in the general population, 0.000008 (2/251352 chromosomes (Genome Aggregation Database)), is uninformative in the assessment of its pathogenicity. Analysis of this variant using software algorithms for the prediction of the effect of nucleotide changes on splicing yielded predictions that this variant does not affect PTCH1 mRNA splicing. Based on the available information, we are unable to determine the clinical significance of this variant.

PreventionGenetics, part of Exact Sciences
Classification: Likely benign for PTCH1-related condition. Last evaluated: 2020-01-07. Review status: no assertion criteria provided. Collection method: clinical testing. Allele origin: germline. Not counted in ClinVar's aggregate classification.
Comment: This variant is classified as likely benign based on ACMG/AMP sequence variant interpretation guidelines (Richards et al. 2015 PMID: 25741868, with internal and published modifications).

NM_000264.5(PTCH1):c.655-5G>T

Gene: PTCH1 (patched 1; minus strand). Cytogenetic location: 9q22.32.
Variant type: single nucleotide variant.
Coding change: c.655-5G>T on transcript NM_000264.5 (MANE Select); 5 bases into the intron before coding-DNA position 655, G replaced by T.
Molecular consequence: intron variant.
Genome position (GRCh38, 1-based): chr9:95,482,045, C>A on the plus strand (G>T on the coding strand, the complement: PTCH1 is on the minus strand). VCF-style: chr9-95482045-C-A. GRCh37 (hg19) VCF-style: chr9-98244327-C-A.
Other names: c.652-5G>T (NM_001083603.3); c.457-5G>T (NM_001083602.3, NM_001354919.2); c.655-5G>T (NM_001354918.2, NM_000264.4); c.202-5G>T (NM_001083605.3, NM_001083604.3, NM_001083606.3 and 1 more transcripts).
Identifiers: ClinVar variation 1117751 (VCV001117751.14), dbSNP rs776683312, ClinGen allele CA5138875.